The following is an entry in ClinVar:

ClinVar aggregate classification (germline): Uncertain significance (1 of 4 stars; one submission).

Conditions:
Primary ciliary dyskinesia. Also called: Ciliary dyskinesia. Identifiers: Orphanet 244, MedGen C0008780, MONDO:0016575, HP:0012265.

Allele frequency attached by ClinVar (database versions not stated): gnomAD 0.00001.
gnomAD v4.1: 1 of 1,523,146 alleles (0.000066%); highest among the groups gnomAD compares: Admixed American, 0.002%; no homozygotes.

Submission:

Ambry Genetics
Classification: Uncertain significance for Primary ciliary dyskinesia. Last evaluated: 2016-03-22. Review status: criteria provided, single submitter. Criteria: Ambry Variant Classification Scheme 2023. Collection method: clinical testing. Allele origin: germline.
Comment: The p.A381V variant (also known as c.1142C>T), located in coding exon 1 of the DNAAF2 gene, results from a C to T substitution at nucleotide position 1142. The alanine at codon 381 is replaced by valine, an amino acid with similar properties. This variant was not reported in population based cohorts in the following databases: Database of Single Nucleotide Polymorphisms (dbSNP), NHLBI Exome Sequencing Project (ESP), and 1000 Genomes Project. In the ESP, this variant was not observed in 2020 samples (4040 alleles) with coverage at this position. This amino acid position is poorly conserved in available vertebrate species. In addition, this alteration is predicted to be tolerated by in silico analysis. Since supporting evidence is limited at this time, the clinical significance of this variant remains unclear.

NM_018139.3(DNAAF2):c.1142C>T (p.Ala381Val)

Genes: DNAAF2 (dynein axonemal assembly factor 2; minus strand), LOC130055542 (ATAC-STARR-seq lymphoblastoid silent region 5699; plus strand). Cytogenetic location: 14q21.3.
Variant type: single nucleotide variant.
Coding change: c.1142C>T on transcript NM_018139.3 (MANE Select); coding-DNA position 1142, C replaced by T.
Protein change: p.Ala381Val; replaces alanine 381 with valine.
Molecular consequence: missense variant.
Genome position (GRCh38, 1-based): chr14:49,634,008, G>A on the plus strand (C>T on the coding strand, the complement: DNAAF2 is on the minus strand). VCF-style: chr14-49634008-G-A. GRCh37 (hg19) VCF-style: chr14-50100726-G-A.
Other names: c.1142C>T, p.Ala381Val (NM_001083908.2); short protein forms A381V.
Identifiers: ClinVar variation 1731617 (VCV001731617.2), dbSNP rs1883250070, ClinGen allele CA389629336.